The following is an entry in ClinVar:

ClinVar aggregate classification (germline): Uncertain significance (1 of 4 stars; one submission).

Conditions:
GATB-related disorder. Also called: GATB-related condition.

Submission:

PreventionGenetics, part of Exact Sciences
Classification: Uncertain significance for GATB-related condition. Last evaluated: 2022-09-07. Review status: criteria provided, single submitter. Criteria: ACMG Guidelines, 2015. Collection method: clinical testing. Allele origin: germline.
Comment: The GATB c.1591_1594dupATTG variant is predicted to result in a frameshift and premature protein termination (p.Gly532Aspfs*52). To our knowledge, this variant has not been reported in the literature. This variant is reported in 0.0054% of alleles in individuals of East Asian descent in gnomAD. At this time, the clinical significance of this variant is uncertain due to the absence of conclusive functional and genetic evidence.

NM_004564.3(GATB):c.1591_1594dup (p.Gly532fs)

Gene: GATB (glutamyl-tRNA amidotransferase subunit B; minus strand). Cytogenetic location: 4q31.3.
Variant type: Duplication.
Coding change: c.1591_1594dup on transcript NM_004564.3 (MANE Select); coding-DNA positions 1591 to 1594, 4 bases duplicated (ATTG; older notation c.1591_1594dupATTG).
Protein change: p.Gly532fs; shifts the reading frame from glycine 532.
Molecular consequence: frameshift variant.
Genome position (GRCh38, 1-based): chr4:151,671,254-151,671,257, CAAT duplicated on the plus strand (ATTG on the coding strand, the reverse complement: GATB is on the minus strand); duplicating any 4 consecutive bases within chr4:151,671,254-151,671,259 gives the same sequence; the c. name uses the placement nearest the transcript's 3' end. VCF-style (leftmost placement, unchanged base first): chr4-151671253-C-CCAAT. GRCh37 (hg19) VCF-style: chr4-152592405-C-CCAAT.
Other names: c.1456_1459dup, p.Gly487fs (NM_001363341.2); short protein forms G487fs, G532fs.
Identifiers: ClinVar variation 2634804 (VCV002634804.1), dbSNP rs770731948, ClinGen allele CA3105536.
Genomic context (GRCh38, chr4:151,671,253, plus strand): 5'-TCCAGGATCTCCTTTATCATGACTGGATCTGCTCGGCTTTGAGTCGCTTTCCGGACCAAC[C>CCAAT]CAATCAGTTTATTTATAGCTCTGGGGTTTCTGTTCTTCACATCCATTACCTAGAAGGACA-3'